The following is an entry in ClinVar:

NM_020163.3(SEMA3G):c.1878+8A>T

Gene: SEMA3G (semaphorin 3G; minus strand). Cytogenetic location: 3p21.1.
Variant type: single nucleotide variant.
Coding change: c.1878+8A>T on transcript NM_020163.3 (MANE Select); 8 bases into the intron after coding-DNA position 1878, A replaced by T.
Molecular consequence: intron variant.
Genome position (GRCh38, 1-based): chr3:52,437,519, T>A on the plus strand (A>T on the coding strand, the complement: SEMA3G is on the minus strand). VCF-style: chr3-52437519-T-A. GRCh37 (hg19) VCF-style: chr3-52471535-T-A.
Identifiers: ClinVar variation 3355296 (VCV003355296.1).

ClinVar aggregate classification (germline): Likely benign (0 of 4 stars; one submission).

Conditions:
SEMA3G-related disorder. Also called: SEMA3G-related condition.

Submission:

PreventionGenetics, part of Exact Sciences
Classification: Likely benign for SEMA3G-related condition. Last evaluated: 2022-03-17. Review status: no assertion criteria provided. Collection method: clinical testing. Allele origin: germline.
Comment: This variant is classified as likely benign based on ACMG/AMP sequence variant interpretation guidelines (Richards et al. 2015 PMID: 25741868, with internal and published modifications).